The following is an entry in ClinVar:

ClinVar aggregate classification (germline): Uncertain significance (1 of 4 stars; one submission).

gnomAD v4.1: 4 of 1,614,126 alleles (0.00025%); highest among the groups gnomAD compares: Admixed American, 0.005%; no homozygotes.

Submission:

Labcorp Genetics (formerly Invitae), Labcorp
Classification: Uncertain significance. Last evaluated: 2025-05-29. Review status: criteria provided, single submitter. Criteria: Invitae Variant Classification Sherloc (09022015). Collection method: clinical testing. Allele origin: germline.
Comment: This sequence change replaces valine, which is neutral and non-polar, with isoleucine, which is neutral and non-polar, at codon 1616 of the SORL1 protein (p.Val1616Ile). This variant is present in population databases (rs148412508, gnomAD 0.009%). This variant has not been reported in the literature in individuals affected with SORL1-related conditions. An algorithm developed to predict the effect of missense changes on protein structure and function (PolyPhen-2) suggests that this variant is likely to be tolerated. In summary, the available evidence is currently insufficient to determine the role of this variant in disease. Therefore, it has been classified as a Variant of Uncertain Significance.

NM_003105.6(SORL1):c.4846G>A (p.Val1616Ile)

Gene: SORL1 (sortilin related receptor 1; plus strand). Cytogenetic location: 11q24.1.
Variant type: single nucleotide variant.
Coding change: c.4846G>A on transcript NM_003105.6 (MANE Select); coding-DNA position 4846, G replaced by A.
Protein change: p.Val1616Ile; replaces valine 1616 with isoleucine.
Molecular consequence: missense variant.
Genome position (GRCh38, 1-based): chr11:121,605,469, G>A. VCF-style: chr11-121605469-G-A. GRCh37 (hg19) VCF-style: chr11-121476178-G-A.
Other names: short protein forms V1616I.
Identifiers: ClinVar variation 4777454 (VCV004777454.1).